The following is an entry in ClinVar:

NM_030665.4(RAI1):c.3754A>G (p.Ser1252Gly)

Gene: RAI1 (retinoic acid induced 1; plus strand). Cytogenetic location: 17p11.2.
Variant type: single nucleotide variant.
Coding change: c.3754A>G on transcript NM_030665.4 (MANE Select); coding-DNA position 3754, A replaced by G.
Protein change: p.Ser1252Gly; replaces serine 1252 with glycine.
Molecular consequence: missense variant.
Genome position (GRCh38, 1-based): chr17:17,796,702, A>G. VCF-style: chr17-17796702-A-G. GRCh37 (hg19) VCF-style: chr17-17700016-A-G.
Other names: short protein forms S1252G.
Identifiers: ClinVar variation 2632101 (VCV002632101.5), dbSNP rs865874198, ClinGen allele CA288370620.

ClinVar aggregate classification (germline): Uncertain significance. Review status: criteria provided, multiple submitters, no conflicts (2 of 4 stars). 2 submissions from 2 submitters: Uncertain significance (2). Last evaluated 2026-03-02.

Conditions:
RAI1-related disorder. Also called: RAI1-related condition.

Allele frequency attached by ClinVar (database versions not stated): gnomAD exomes 0.00001.
gnomAD v4.1: 14 of 1,613,398 alleles (0.00087%); highest among the groups gnomAD compares: African/African-American, 0.0027%; no homozygotes.

Submissions (2):

PreventionGenetics, part of Exact Sciences
Classification: Uncertain significance for RAI1-related condition. Last evaluated: 2026-03-02. Review status: criteria provided, single submitter. Criteria: ACMG Guidelines, 2015. Collection method: clinical testing. Allele origin: germline.
Comment: The RAI1 c.3754A>G variant is predicted to result in the amino acid substitution p.Ser1252Gly. To our knowledge, this variant has not been reported in the literature or in a large population database (gnomAD), indicating this variant is rare. At this time, the clinical significance of this variant is uncertain due to the absence of conclusive functional and genetic evidence.

Labcorp Genetics (formerly Invitae), Labcorp
Classification: Uncertain significance. Last evaluated: 2024-03-16. Review status: criteria provided, single submitter. Criteria: Invitae Variant Classification Sherloc (09022015). Collection method: clinical testing. Allele origin: germline.
Comment: This sequence change replaces serine, which is neutral and polar, with glycine, which is neutral and non-polar, at codon 1252 of the RAI1 protein (p.Ser1252Gly). This variant is not present in population databases (gnomAD no frequency). This variant has not been reported in the literature in individuals affected with RAI1-related conditions. ClinVar contains an entry for this variant (Variation ID: 2632101). Algorithms developed to predict the effect of missense changes on protein structure and function output the following: SIFT: "Not Available"; PolyPhen-2: "Benign"; Align-GVGD: "Not Available". The glycine amino acid residue is found in multiple mammalian species, which suggests that this missense change does not adversely affect protein function. In summary, the available evidence is currently insufficient to determine the role of this variant in disease. Therefore, it has been classified as a Variant of Uncertain Significance.